The following is an entry in ClinVar:

ClinVar aggregate classification (germline): Benign. Review status: criteria provided, multiple submitters, no conflicts (2 of 4 stars). 2 submissions from 2 submitters: Benign (2). Last evaluated 2018-01-12.

Conditions:
CEDNIK syndrome. Also called: CEREBRAL DYSGENESIS, NEUROPATHY, ICHTHYOSIS, AND PALMOPLANTAR KERATODERMA SYNDROME; Cerebral dysgenesis, neuropathy, ichthyosis, and palmoplantar keratoderma. Identifiers: Orphanet 66631, MedGen C1836033, MONDO:0012290, OMIM 609528.

Allele frequency attached by ClinVar (database versions not stated): gnomAD exomes 0.02439; 1000 Genomes Project 30x 0.02795; gnomAD 0.02873 and 0.02954; 1000 Genomes Project 0.02915; TOPMed 0.02968.
gnomAD v4.1: 4,472 of 151,258 alleles (3%); highest among the groups gnomAD compares: Middle Eastern, 6.5%; 87 homozygotes.

Submissions (2):

Illumina Laboratory Services, Illumina
Classification: Benign for CEDNIK syndrome. Last evaluated: 2018-01-12. Review status: criteria provided, single submitter. Criteria: ICSL Variant Classification Criteria 13 December 2019. Collection method: clinical testing. Allele origin: germline.
Comment: This variant was observed in the ICSL laboratory as part of a predisposition screen in an ostensibly healthy population. It had not been previously curated by ICSL or reported in the Human Gene Mutation Database (HGMD: prior to June 1st, 2018), and was therefore a candidate for classification through an automated scoring system. Utilizing variant allele frequency, disease prevalence and penetrance estimates, and inheritance mode, an automated score was calculated to assess if this variant is too frequent to cause the disease. Based on the score and internal cut-off values, a variant classified as benign is not then subjected to further curation. The score for this variant resulted in a classification of benign for this disease.

Breakthrough Genomics
Classification: Benign. Review status: criteria provided, single submitter. Criteria: ACMG Guidelines, 2015. Collection method: not provided. Allele origin: germline. Inheritance: Autosomal recessive inheritance. Affected: yes.

NM_004782.4(SNAP29):c.*3015G>A

Gene: SNAP29 (synaptosome associated protein 29; plus strand). Cytogenetic location: 22q11.21.
Variant type: single nucleotide variant.
Coding change: c.*3015G>A on transcript NM_004782.4 (MANE Select); 3015 bases downstream of the stop codon, G replaced by A.
Molecular consequence: 3 prime UTR variant.
Genome position (GRCh38, 1-based): chr22:20,890,851, G>A. VCF-style: chr22-20890851-G-A. GRCh37 (hg19) VCF-style: chr22-21245139-G-A.
Identifiers: ClinVar variation 340899 (VCV000340899.6), dbSNP rs145199625, ClinGen allele CA10653253.